The following is an entry in ClinVar:

NM_012452.3(TNFRSF13B):c.838G>C (p.Gly280Arg)

Gene: TNFRSF13B (TNF receptor superfamily member 13B; minus strand). Cytogenetic location: 17p11.2.
Variant type: single nucleotide variant.
Coding change: c.838G>C on transcript NM_012452.3 (MANE Select); coding-DNA position 838, G replaced by C.
Protein change: p.Gly280Arg; replaces glycine 280 with arginine.
Molecular consequence: missense variant.
Genome position (GRCh38, 1-based): chr17:16,939,591, C>G on the plus strand (G>C on the coding strand, the complement: TNFRSF13B is on the minus strand). VCF-style: chr17-16939591-C-G. GRCh37 (hg19) VCF-style: chr17-16842905-C-G.
Other names: short protein forms G280R.
Identifiers: ClinVar variation 582908 (VCV000582908.7), dbSNP rs374957601, ClinGen allele CA8413840.
Genomic context (GRCh38, chr17:16,939,591, plus strand): 5'-CCTCCCTGACCCCCATTTATGCACCTGGGCCCCCCTCCTGGGCAGGCACACACACAATGC[C>G]AAGGCCACTGTCTGGGATGTGTGGGCAAGGCTGCAGGACTGTGGTCCTGGTGTGGCACCC-3'
Protein context (NP_036584.1, residues 270-290): PCPHIPDSGL[Gly280Arg]IVCVPAQEGG

ClinVar aggregate classification (germline): Uncertain significance. Review status: criteria provided, multiple submitters, no conflicts (2 of 4 stars). 2 submissions from 2 submitters: Uncertain significance (2). Last evaluated 2025-10-21.

Conditions:
Immunodeficiency, common variable, 2 (CVID2). Also called: HYPOGAMMAGLOBULINEMIA DUE TO TACI DEFICIENCY; ANTIBODY DEFICIENCY DUE TO TACI DEFECT. Identifiers: Orphanet 1572, MedGen C3150354, MONDO:0009413, OMIM 240500.

Allele frequency attached by ClinVar (database versions not stated): gnomAD exomes 0.00002; TOPMed 0.00002; ESP Exome Variant Server 0.00008; gnomAD 0.00001; ExAC 0.00002.
gnomAD v4.1: 69 of 1,613,452 alleles (0.0043%); highest among the groups gnomAD compares: Non-Finnish European, 0.0055%; no homozygotes.

Submissions (2):

Labcorp Genetics (formerly Invitae), Labcorp
Classification: Uncertain significance for Immunodeficiency, common variable, 2. Last evaluated: 2025-10-21. Review status: criteria provided, single submitter. Criteria: Invitae Variant Classification Sherloc (09022015). Collection method: clinical testing. Allele origin: germline.
Comment: This sequence change replaces glycine, which is neutral and non-polar, with arginine, which is basic and polar, at codon 280 of the TNFRSF13B protein (p.Gly280Arg). This variant is present in population databases (rs374957601, gnomAD 0.004%). This missense change has been observed in individual(s) with a TNFRSF13B-related disease (internal data). In at least one individual the data is consistent with being in trans (on the opposite chromosome) from a pathogenic variant. ClinVar contains an entry for this variant (Variation ID: 582908). Invitae Evidence Modeling of protein sequence and biophysical properties (such as structural, functional, and spatial information, amino acid conservation, physicochemical variation, residue mobility, and thermodynamic stability) indicates that this missense variant is not expected to disrupt TNFRSF13B protein function with a negative predictive value of 95%. In summary, the available evidence is currently insufficient to determine the role of this variant in disease. Therefore, it has been classified as a Variant of Uncertain Significance.

Blueprint Genetics
Classification: Uncertain significance. Last evaluated: 2023-09-19. Review status: criteria provided, single submitter. Criteria: ACMG Guidelines, 2015. Collection method: clinical testing. Allele origin: germline.